The following is an entry in ClinVar:

NM_024577.4(SH3TC2):c.3300del (p.His1100fs)

Gene: SH3TC2 (SH3 domain and tetratricopeptide repeats 2; minus strand). Cytogenetic location: 5q32.
Variant type: Deletion.
Coding change: c.3300del on transcript NM_024577.4 (MANE Select); coding-DNA position 3300, one base deleted (C; older notation c.3300delC).
Protein change: p.His1100fs; shifts the reading frame from histidine 1100.
Molecular consequence: frameshift variant.
Genome position (GRCh38, 1-based): chr5:149,010,297, G deleted on the plus strand (C on the coding strand, the reverse complement: SH3TC2 is on the minus strand). VCF-style (leftmost placement, unchanged base first): chr5-149010296-TG-T. GRCh37 (hg19) VCF-style: chr5-148389859-TG-T.
Other names: c.3300delC (NM_024577.3); c.3300del (NM_024577.3); short protein forms H1100fs.
Identifiers: ClinVar variation 452692 (VCV000452692.6), dbSNP rs774401267, ClinGen allele CA3498786.

ClinVar aggregate classification (germline): Conflicting classifications of pathogenicity. Review status: criteria provided, conflicting classifications (1 of 4 stars). 2 submissions from 2 submitters: Pathogenic (1); Uncertain significance (1). Last evaluated 2025-10-10.

Conditions:
Charcot-Marie-Tooth disease type 4. Also called: Charcot-Marie-Tooth, Type 4; Charcot-Marie-Tooth disease, type IV. Identifiers: Orphanet 64749, MedGen C4082197, MONDO:0018995.

Allele frequency attached by ClinVar (database versions not stated): gnomAD 0.00002 and 0.00003; TOPMed 0.00005; ESP Exome Variant Server 0.00008; gnomAD exomes below 0.00001 and 0.00001; ExAC 0.00002.

Submissions (2):

Labcorp Genetics (formerly Invitae), Labcorp
Classification: Pathogenic for Charcot-Marie-Tooth disease type 4. Last evaluated: 2025-10-10. Review status: criteria provided, single submitter. Criteria: Invitae Variant Classification Sherloc (09022015). Collection method: clinical testing. Allele origin: germline.
Comment: This sequence change creates a premature translational stop signal (p.His1100Glnfs*16) in the SH3TC2 gene. It is expected to result in an absent or disrupted protein product. Loss-of-function variants in SH3TC2 are known to be pathogenic (PMID: 20220177, 27068304). This variant is present in population databases (rs774401267, gnomAD 0.01%). This variant has not been reported in the literature in individuals affected with SH3TC2-related conditions. ClinVar contains an entry for this variant (Variation ID: 452692). For these reasons, this variant has been classified as Pathogenic.

GeneDx
Classification: Uncertain significance. Last evaluated: 2024-11-26. Review status: criteria provided, single submitter. Criteria: GeneDx Variant Classification Process June 2021. Collection method: clinical testing. Allele origin: germline. Affected: yes.
Comment: Frameshift variant predicted to result in protein truncation or nonsense mediated decay in a gene for which loss of function is a known mechanism of disease; Has not been previously published as pathogenic or benign to our knowledge

Literature cited by the submitters: PubMed 20220177 (cited by Labcorp Genetics (formerly Invitae), Labcorp); PubMed 27068304 (cited by Labcorp Genetics (formerly Invitae), Labcorp).